The following is an entry in ClinVar:

NM_000443.4(ABCB4):c.-1G>A

Genes: ABCB4 (ATP binding cassette subfamily B member 4; minus strand), LOC129998756 (ATAC-STARR-seq lymphoblastoid silent region 18347; plus strand). Cytogenetic location: 7q21.12.
Variant type: single nucleotide variant.
Coding change: c.-1G>A on transcript NM_000443.4 (MANE Select); 1 bases upstream of the start codon, G replaced by A.
Molecular consequence: 5 prime UTR variant.
Genome position (GRCh38, 1-based): chr7:87,475,466, C>T on the plus strand (G>A on the coding strand, the complement: ABCB4 is on the minus strand). VCF-style: chr7-87475466-C-T. GRCh37 (hg19) VCF-style: chr7-87104782-C-T.
Other names: c.-1G>A (NM_018849.3, NM_018850.3).
Identifiers: ClinVar variation 256156 (VCV000256156.13), dbSNP rs45449704, ClinGen allele CA4327660.

ClinVar aggregate classification (germline): Benign/Likely benign. Review status: criteria provided, multiple submitters, no conflicts (2 of 4 stars). 8 submissions from 7 submitters: Benign (7); Likely benign (1). Last evaluated 2025-12-29.

Conditions:
Cholestasis, intrahepatic, of pregnancy, 3. Identifiers: Orphanet 69665, MedGen C3554241, MONDO:0013995, OMIM 614972.
Progressive familial intrahepatic cholestasis type 3. Also called: Low Gamma-GT Familial Intrahepatic Cholestasis; MDR3 DEFICIENCY. Identifiers: Orphanet 79305, MedGen C1865643, MONDO:0011214, OMIM 602347.

Allele frequency attached by ClinVar (database versions not stated): ESP Exome Variant Server 0.00038; gnomAD 0.00181 and 0.00184; 1000 Genomes Project 0.00240; 1000 Genomes Project 30x 0.00250; TOPMed 0.00448; ExAC 0.00619; gnomAD exomes 0.00812.
gnomAD v4.1: 2,707 of 1,614,196 alleles (0.17%); highest among the groups gnomAD compares: Admixed American, 4.3%; 83 homozygotes.

Submissions (8):

Center for Genomic Medicine, Rigshospitalet, Copenhagen University Hospital
Classification: Likely benign. Last evaluated: 2025-12-29. Review status: criteria provided, single submitter. Criteria: ACMG Guidelines, 2015. Collection method: clinical testing. Allele origin: germline.

Mayo Clinic Laboratories, Mayo Clinic
Classification: Benign. Last evaluated: 2022-03-10. Review status: criteria provided, single submitter. Criteria: ACMG Guidelines, 2015. Collection method: clinical testing. Allele origin: germline. Observed: 6 variant alleles.

Illumina Laboratory Services, Illumina
Classification: Benign for Progressive familial intrahepatic cholestasis type 3. Last evaluated: 2018-01-13. Review status: criteria provided, single submitter. Criteria: ICSL Variant Classification Criteria 13 December 2019. Collection method: clinical testing. Allele origin: germline.
Comment: This variant was observed in the ICSL laboratory as part of a predisposition screen in an ostensibly healthy population. It had not been previously curated by ICSL or reported in the Human Gene Mutation Database (HGMD: prior to June 1st, 2018), and was therefore a candidate for classification through an automated scoring system. Utilizing variant allele frequency, disease prevalence and penetrance estimates, and inheritance mode, an automated score was calculated to assess if this variant is too frequent to cause the disease. Based on the score and internal cut-off values, a variant classified as benign is not then subjected to further curation. The score for this variant resulted in a classification of benign for this disease.

Illumina Laboratory Services, Illumina
Classification: Benign for Cholestasis, intrahepatic, of pregnancy, 3. Last evaluated: 2018-01-13. Review status: criteria provided, single submitter. Criteria: ICSL Variant Classification Criteria 13 December 2019. Collection method: clinical testing. Allele origin: germline.
Comment: the same text as in the submission from Illumina Laboratory Services, Illumina above.

GeneDx
Classification: Benign. Last evaluated: 2017-05-23. Review status: criteria provided, single submitter. Criteria: GeneDx Variant Classification (06012015). Collection method: clinical testing. Allele origin: germline. Affected: yes.
Comment: This variant is considered likely benign or benign based on one or more of the following criteria: it is a conservative change, it occurs at a poorly conserved position in the protein, it is predicted to be benign by multiple in silico algorithms, and/or has population frequency not consistent with disease.

Eurofins Ntd Llc (ga)
Classification: Benign. Last evaluated: 2015-12-14. Review status: criteria provided, single submitter. Criteria: EGL Classification Definitions 2015. Collection method: clinical testing. Allele origin: germline. Observed: 1 variant allele, 1 heterozygote.

Breakthrough Genomics
Classification: Benign. Review status: criteria provided, single submitter. Criteria: ACMG Guidelines, 2015. Collection method: not provided. Allele origin: germline. Inheritance: Autosomal recessive inheritance. Affected: yes.

PreventionGenetics, part of Exact Sciences
Classification: Benign. Review status: criteria provided, single submitter. Criteria: ACMG Guidelines, 2015. Collection method: clinical testing. Allele origin: germline.